The following is an entry in ClinVar:

ClinVar aggregate classification (germline): Uncertain significance (1 of 4 stars; one submission).

Submission:

GeneDx
Classification: Uncertain significance. Last evaluated: 2026-02-06. Review status: criteria provided, single submitter. Criteria: GeneDx Variant Classification Process June 2021. Collection method: clinical testing. Allele origin: germline. Affected: yes.
Comment: Not observed at significant frequency in large population cohorts (gnomAD); In silico analysis supports that this missense variant has a deleterious effect on protein structure/function; Has not been previously published as pathogenic or benign to our knowledge

NM_021096.4(CACNA1I):c.2993C>T (p.Pro998Leu)

Gene: CACNA1I (calcium voltage-gated channel subunit alpha1 I; plus strand). Cytogenetic location: 22q13.1.
Variant type: single nucleotide variant.
Coding change: c.2993C>T on transcript NM_021096.4 (MANE Select); coding-DNA position 2993, C replaced by T.
Protein change: p.Pro998Leu; replaces proline 998 with leucine.
Molecular consequence: missense variant.
Genome position (GRCh38, 1-based): chr22:39,662,056, C>T. VCF-style: chr22-39662056-C-T. GRCh37 (hg19) VCF-style: chr22-40058061-C-T.
Other names: c.2888C>T, p.Pro963Leu (NM_001003406.2); short protein forms P963L, P998L.
Identifiers: ClinVar variation 3372380 (VCV003372380.2).